The following is an entry in ClinVar:

ClinVar aggregate classification (germline): Pathogenic (1 of 4 stars; one submission).

Conditions:
Renal tubular dysgenesis. Also called: Renotubular dysgenesis. Identifiers: Orphanet 3033, MedGen C0266313, MONDO:0017609, HP:0008660.

Submission:

Baylor Genetics
Classification: Pathogenic for Renal tubular dysgenesis of genetic origin. Last evaluated: 2020-05-05. Review status: criteria provided, single submitter. Criteria: ACMG Guidelines, 2015. Collection method: clinical testing. Allele origin: unknown. Affected: yes.
Comment: This variant was determined to be pathogenic according to ACMG Guidelines, 2015 [PMID:25741868].

NM_000789.4(ACE):c.1744C>T (p.Gln582Ter)

Gene: ACE (angiotensin I converting enzyme; plus strand). Cytogenetic location: 17q23.3.
Variant type: single nucleotide variant.
Coding change: c.1744C>T on transcript NM_000789.4 (MANE Select); coding-DNA position 1744, C replaced by T.
Protein change: p.Gln582Ter; replaces glutamine 582 with a stop codon.
Molecular consequence: nonsense.
Genome position (GRCh38, 1-based): chr17:63,484,364, C>T. VCF-style: chr17-63484364-C-T. GRCh37 (hg19) VCF-style: chr17-61561725-C-T.
Other names: c.1177C>T, p.Gln393Ter (NM_001382700.1); c.892C>T, p.Gln298Ter (NM_001382701.1); short protein forms Q298*, Q393*, Q582*.
Identifiers: ClinVar variation 1028377 (VCV001028377.1), dbSNP rs1599143221, ClinGen allele CA400552142.